The following is an entry in ClinVar:

ClinVar aggregate classification (germline): Benign. Review status: criteria provided, multiple submitters, no conflicts (2 of 4 stars). 3 submissions from 3 submitters: Benign (3). Last evaluated 2026-09-01.

Allele frequency attached by ClinVar (database versions not stated): 1000 Genomes Project 0.00499; 1000 Genomes Project 30x 0.00562; gnomAD 0.01008 and 0.01012; ESP Exome Variant Server 0.01100; gnomAD exomes 0.01106; ExAC 0.01168; TOPMed 0.01193.
gnomAD v4.1: 20,016 of 1,612,506 alleles (1.2%); highest among the groups gnomAD compares: Middle Eastern, 1.6%; 171 homozygotes.

Submissions (3):

CeGaT Center for Human Genetics Tuebingen
Classification: Benign. Last evaluated: 2026-09-01. Review status: criteria provided, single submitter. Criteria: CeGaT Center For Human Genetics Tuebingen Variant Classification Criteria Version 2. Collection method: clinical testing. Allele origin: germline. Affected: yes. Observed: 14 variant alleles.
Comment: IL23R: BP4, BS1, BS2

Labcorp Genetics (formerly Invitae), Labcorp
Classification: Benign. Last evaluated: 2026-02-03. Review status: criteria provided, single submitter. Criteria: Invitae Variant Classification Sherloc (09022015). Collection method: clinical testing. Allele origin: germline.

Breakthrough Genomics
Classification: Benign. Review status: criteria provided, single submitter. Criteria: ACMG Guidelines, 2015. Collection method: not provided. Allele origin: germline. Inheritance: Unknown mechanism. Affected: yes.

NM_144701.3(IL23R):c.1084G>A (p.Val362Ile)

Gene: IL23R (interleukin 23 receptor; plus strand). Cytogenetic location: 1p31.3.
Variant type: single nucleotide variant.
Coding change: c.1084G>A on transcript NM_144701.3 (MANE Select); coding-DNA position 1084, G replaced by A.
Protein change: p.Val362Ile; replaces valine 362 with isoleucine.
Molecular consequence: missense variant.
Genome position (GRCh38, 1-based): chr1:67,240,217, G>A. VCF-style: chr1-67240217-G-A. GRCh37 (hg19) VCF-style: chr1-67705900-G-A.
Other names: short protein forms V362I.
Identifiers: ClinVar variation 1165955 (VCV001165955.25), dbSNP rs41313262, ClinGen allele CA899934.